The following is an entry in ClinVar:

ClinVar aggregate classification (germline): Uncertain significance. Review status: criteria provided, multiple submitters, no conflicts (2 of 4 stars). 2 submissions from 2 submitters: Uncertain significance (2). Last evaluated 2025-04-03.

Conditions:
Progressive familial heart block type IB (PFHB1B). Identifiers: Orphanet 871, MedGen C1970298, MONDO:0011474, OMIM 604559.

Allele frequency attached by ClinVar (database versions not stated): TOPMed below 0.00001.

Submissions (2):

Labcorp Genetics (formerly Invitae), Labcorp
Classification: Uncertain significance for Progressive familial heart block type IB. Last evaluated: 2025-04-03. Review status: criteria provided, single submitter. Criteria: Invitae Variant Classification Sherloc (09022015). Collection method: clinical testing. Allele origin: germline.
Comment: This sequence change replaces threonine, which is neutral and polar, with isoleucine, which is neutral and non-polar, at codon 239 of the TRPM4 protein (p.Thr239Ile). This variant is not present in population databases (gnomAD no frequency). This missense change has been observed in individual(s) with atrioventricular nodal reentry tachycardia (PMID: 32508047). ClinVar contains an entry for this variant (Variation ID: 2430688). An algorithm developed to predict the effect of missense changes on protein structure and function (PolyPhen-2) suggests that this variant is likely to be tolerated. In summary, the available evidence is currently insufficient to determine the role of this variant in disease. Therefore, it has been classified as a Variant of Uncertain Significance.

GeneDx
Classification: Uncertain significance. Last evaluated: 2022-08-17. Review status: criteria provided, single submitter. Criteria: GeneDx Variant Classification Process June 2021. Collection method: clinical testing. Allele origin: germline. Affected: yes.
Comment: Reported in a patient with atrioventricular nodal reentry tachycardia, but familial segregation and specific clinical information were not provided (Luo et al., 2020); Not observed at significant frequency in large population cohorts (gnomAD); In silico analysis supports that this missense variant has a deleterious effect on protein structure/function; This variant is associated with the following publications: (PMID: 32508047)

Literature cited by the submitters: PubMed 32508047 (cited by Labcorp Genetics (formerly Invitae), Labcorp).

NM_017636.4(TRPM4):c.716C>T (p.Thr239Ile)

Gene: TRPM4 (transient receptor potential cation channel subfamily M member 4; plus strand). Cytogenetic location: 19q13.33.
Variant type: single nucleotide variant.
Coding change: c.716C>T on transcript NM_017636.4 (MANE Select); coding-DNA position 716, C replaced by T.
Protein change: p.Thr239Ile; replaces threonine 239 with isoleucine.
Molecular consequence: missense variant. On other transcripts: 5 prime UTR variant (2).
Genome position (GRCh38, 1-based): chr19:49,168,656, C>T. VCF-style: chr19-49168656-C-T. GRCh37 (hg19) VCF-style: chr19-49671913-C-T.
Other names: c.716C>T, p.Thr239Ile (NM_001195227.2); c.371C>T, p.Thr124Ile (NM_001321281.2); c.-838C>T (NM_001321282.2); c.194C>T, p.Thr65Ile (NM_001321283.2); c.-134C>T (NM_001321285.2); short protein forms T124I, T239I, T65I.
Identifiers: ClinVar variation 2430688 (VCV002430688.2), dbSNP rs1225084668, ClinGen allele CA406792621.
Genomic context (GRCh38, chr19:49,168,656, plus strand): 5'-ACGGGGTCCAGTTTCCCCTGGACTACAACTACTCGGCCTTCTTCCTGGTGGACGACGGCA[C>T]ACACGGCTGCCTGGGGGGCGAGAACCGCTTCCGCTTGCGCCTGGAGTCCTACATCTCACA-3'
Protein context (NP_060106.2, residues 229-249): YSAFFLVDDG[Thr239Ile]HGCLGGENRF